The following is an entry in ClinVar:

NM_001267550.2(TTN):c.71259C>T (p.Asn23753=)

Genes: TTN-AS1 (TTN antisense RNA 1; plus strand), TTN (titin; minus strand). Cytogenetic location: 2q31.2.
Variant type: single nucleotide variant.
Coding change: c.71259C>T on transcript NM_001267550.2 (MANE Select); coding-DNA position 71259, C replaced by T.
Protein change: p.Asn23753=; no amino-acid change (asparagine 23753 retained).
Molecular consequence: synonymous variant.
Genome position (GRCh38, 1-based): chr2:178,574,873, G>A on the plus strand (C>T on the coding strand, the complement: TTN is on the minus strand). VCF-style: chr2-178574873-G-A. GRCh37 (hg19) VCF-style: chr2-179439600-G-A.
Other names: c.66336C>T, p.Asn22112= (NM_001256850.1); c.44064C>T, p.Asn14688= (NM_003319.4); c.63555C>T, p.Asn21185= (NM_133378.4); c.44439C>T, p.Asn14813= (NM_133432.3); c.44640C>T, p.Asn14880= (NM_133437.4).
Identifiers: ClinVar variation 392358 (VCV000392358.14), dbSNP rs367685557, ClinGen allele CA1990659.

ClinVar aggregate classification (germline): Likely benign. Review status: criteria provided, multiple submitters, no conflicts (2 of 4 stars). 5 submissions from 5 submitters: Likely benign (4). 1 of the submissions does not count toward it. Last evaluated 2025-12-02.

Conditions:
TTN-related disorder. Also called: TTN-related disorders; TTN-related condition; TTN-related disease.
Cardiovascular phenotype. Identifiers: MedGen CN230736.
Cardiomyopathy (CMYO). Also called: Cardiomyopathies. Identifiers: Orphanet 167848, MedGen C0878544, MONDO:0004994, HP:0001638. Inheritance: Various modes of inheritance.
Autosomal recessive limb-girdle muscular dystrophy type 2J (LGMDR10). Also called: Limb-girdle muscular dystrophy, type 2J; MUSCULAR DYSTROPHY, LIMB-GIRDLE, AUTOSOMAL RECESSIVE 10. Identifiers: Orphanet 140922, MedGen C1837342, MONDO:0012127, OMIM 608807.
Dilated cardiomyopathy 1G (CMD1G). Identifiers: Orphanet 154, MedGen C1858763, MONDO:0011400, OMIM 604145.

Allele frequency attached by ClinVar (database versions not stated): gnomAD 0.00002; ExAC 0.00003; gnomAD exomes 0.00004 and 0.00008; TOPMed 0.00004; ESP Exome Variant Server 0.00008.
gnomAD v4.1: 114 of 1,612,790 alleles (0.0071%); highest among the groups gnomAD compares: Non-Finnish European, 0.0086%; no homozygotes.

Submissions (5):

Labcorp Genetics (formerly Invitae), Labcorp
Classification: Likely benign for Dilated cardiomyopathy 1G; Autosomal recessive limb-girdle muscular dystrophy type 2J. Last evaluated: 2025-12-02. Review status: criteria provided, single submitter. Criteria: Invitae Variant Classification Sherloc (09022015). Collection method: clinical testing. Allele origin: germline.

Ambry Genetics
Classification: Likely benign for Cardiovascular phenotype. Last evaluated: 2024-08-03. Review status: criteria provided, single submitter. Criteria: Ambry Variant Classification Scheme 2023. Collection method: clinical testing. Allele origin: germline.

CHEO Genetics Diagnostic Laboratory, Children's Hospital of Eastern Ontario
Classification: Likely benign for Cardiomyopathy. Last evaluated: 2022-11-17. Review status: criteria provided, single submitter. Criteria: ACMG Guidelines, 2015. Collection method: clinical testing. Allele origin: germline. Study: Canadian Open Genetics Repository.

GeneDx
Classification: Likely benign. Last evaluated: 2017-01-05. Review status: criteria provided, single submitter. Criteria: GeneDx Variant Classification (06012015). Collection method: clinical testing. Allele origin: germline. Affected: yes.
Comment: This variant is considered likely benign or benign based on one or more of the following criteria: it is a conservative change, it occurs at a poorly conserved position in the protein, it is predicted to be benign by multiple in silico algorithms, and/or has population frequency not consistent with disease.

PreventionGenetics, part of Exact Sciences
Classification: Likely benign for TTN-related condition. Last evaluated: 2023-09-27. Review status: no assertion criteria provided. Collection method: clinical testing. Allele origin: germline. Not counted in ClinVar's aggregate classification.
Comment: This variant is classified as likely benign based on ACMG/AMP sequence variant interpretation guidelines (Richards et al. 2015 PMID: 25741868, with internal and published modifications).